The following continues an entry in ClinVar:

NM_007294.4(BRCA1):c.824G>A (p.Gly275Asp)

Gene: BRCA1. ClinVar aggregate classification (germline): Benign. Benign (1).

Submissions 12 to 22 of 22:

Women's Health and Genetics/Laboratory Corporation of America, LabCorp
Classification: Benign. Last evaluated: 2020-12-12. Review status: criteria provided, single submitter. Criteria: LabCorp Variant Classification Summary - May 2015. Collection method: clinical testing. Allele origin: germline. Not counted in ClinVar's aggregate classification.
Comment: Variant summary: BRCA1 c.824G>A (p.Gly275Asp) results in a non-conservative amino acid change in the encoded protein sequence. Three of five in-silico tools predict a damaging effect of the variant on protein function. The variant allele was found at a frequency of 0.00022 in 298510 control chromosomes, exclusively reported within the East Asian subpopulation at a frequency of 0.001 (in the gnomAD database and in Momozawa_2018). This frequency is comparable to the expected maximum frequency for a pathogenic variant in BRCA1 causing Hereditary Breast and Ovarian Cancer (0.001 vs 0.001), suggesting the variant could be a benign polymorphism found in populations from East Asia. In addition, the variant was reported in some East Asian subpopulations with even higher allele frequencies, e.g. in Koreans (0.0026, in gnomAD), and in Japanese (0.0012, in HGVD), further supporting a benign role for the variant. c.824G>A has been reported in the literature numerous individuals (generally in East Asians) affected with breast- and ovarian cancer and other tumor phenotypes (Carney_2010, Haffty_2009, Judkins_2005, Kato_2016, Kawahara_2004, Sakayori_2003, Shin_2016, Suter_2004, Zhong_2016, Bhaskaran_2019, Chan_2018, Choi_2018, Lee_2018, Park_2017), but was also found in several unaffected East Asian controls (Park_2017, Momozawa_2018). At-least two co-occurrences with another likely pathogenic variant (BRCA1 c.5165C>T, p.Ser1722Phe; Chan_2018) and a pathogenic variant (BRCA2 c.2808_2811delACAA, p.Ala938Profs, internal testing observation) have been observed, providing supporting evidence for a benign role. Two recent case-control association studies, involving breast cancer patients and controls of Korean- (Park_2017) and Japanese ancestry (Momozawa 2018), found that the variant is not associated with a significant increase in breast/ovarian cancer risk, and therefore the authors of these studies classified that the variant as likely benign/benign, respectively. In addition, in a study involving Korean breast cancer patients, multifactorial probability was estimated by performing systematic assessments of variants of unknown significance in the BRCA genes (which included analysis of co-occurrence with known deleterious mutations, personal and family history of cancer and tumor pathology) and predicted this variant to be likely benign (Lee_2018). To our knowledge, no experimental evidence demonstrating an impact on protein function has been reported. Eleven other clinical diagnostic laboratories and one expert panel (ENIGMA) have provided clinical-significance assessments for this variant in ClinVar after 2014, and classified the variant as likely benign (n=5), benign (n=1, ENIGMA) and VUS (n=6). Several submitters cite overlapping evidence utilized in the context of this evaluation. Based on the absence of any actionable evidence supporting causality in over 15 years of review and co-occurrence with other pathogenic variants in the BRCA1/2 genes, further supported by an expert panel assessment as outlined above, the variant was re-classified as benign.

Ambry Genetics
Classification: Likely benign for Hereditary cancer-predisposing syndrome. Last evaluated: 2020-01-09. Review status: criteria provided, single submitter. Criteria: Ambry Variant Classification Scheme 2023. Collection method: clinical testing. Allele origin: germline. Not counted in ClinVar's aggregate classification.

GeneDx
Classification: Likely benign. Last evaluated: 2019-10-29. Review status: criteria provided, single submitter. Criteria: GeneDx Variant Classification Process June 2021. Collection method: clinical testing. Allele origin: germline. Affected: yes. Not counted in ClinVar's aggregate classification.
Comment: This variant is associated with the following publications: (PMID: 19491284, 22116506, 29601120, 30702160, 32426482, 15235020, 24728327, 12624724, 14973102, 15168169, 27257965, 27383479, 27124784, 29770616, 30093976, 30415210, 30287823, 31481248, 28111427, 28364669, 25823446, 31348995)

Quest Diagnostics Nichols Institute San Juan Capistrano
Classification: Likely benign. Last evaluated: 2018-08-28. Review status: criteria provided, single submitter. Criteria: Quest Diagnostics criteria. Collection method: clinical testing. Allele origin: germline. Not counted in ClinVar's aggregate classification.

Illumina Laboratory Services, Illumina
Classification: Uncertain significance for Breast-ovarian cancer, familial, susceptibility to, 1. Last evaluated: 2017-04-27. Review status: criteria provided, single submitter. Criteria: ICSL Variant Classification Criteria 13 December 2019. Collection method: clinical testing. Allele origin: germline. Not counted in ClinVar's aggregate classification.
Comment: This variant was observed as part of a predisposition screen in an ostensibly healthy population. A literature search was performed for the gene, cDNA change, and amino acid change (where applicable). Publications were found based on this search. However, the evidence from the literature, in combination with allele frequency data from public databases where available, was not sufficient to rule this variant in or out of causing disease. Therefore, this variant is classified as a variant of unknown significance.

Laboratory for Molecular Medicine, Mass General Brigham Personalized Medicine
Classification: Uncertain significance. Last evaluated: 2016-12-20. Review status: criteria provided, single submitter. Criteria: LMM Criteria. Collection method: clinical testing. Allele origin: germline. Not counted in ClinVar's aggregate classification.
Comment: Variant identified in a genome or exome case(s) and assessed due to predicted null impact of the variant or pathogenic assertions in the literature or databases. Disclaimer: This variant has not undergone full assessment. The following are preliminary notes: This variant has been reported in 4 papers in HGMD, that include affected and unaffected individuals. This variant is classified in ClinVar with 2 stars as VUS by Invitae, Ambry, GeneDx, and West China Hospital. The variant has a Max MAF of 0.13% in ExAC (12 East Asian alleles) and 0.1% in gnomAD (20 alleles). 19 non-mammals have an Asp at this position.

Soonchunhyang University Bucheon Hospital, Soonchunhyang University Medical Center
Classification: Uncertain significance for Breast-ovarian cancer, familial, susceptibility to, 1. Last evaluated: 2016-03-18. Review status: criteria provided, single submitter. Criteria: ACMG Guidelines, 2015. Collection method: reference population. Allele origin: germline. Observed: 1 variant allele. Not counted in ClinVar's aggregate classification.

Eurofins Ntd Llc (ga)
Classification: Uncertain significance. Last evaluated: 2015-11-24. Review status: criteria provided, single submitter. Criteria: EGL Classification Definitions 2015. Collection method: clinical testing. Allele origin: germline. Observed: 1 variant allele, 1 heterozygote. Not counted in ClinVar's aggregate classification.

Laboratory of Molecular Diagnosis of Cancer, West China Hospital, Sichuan University
Classification: Uncertain significance for Breast neoplasm. Last evaluated: 2015-11-01. Review status: criteria provided, single submitter. Criteria: ACMG Guidelines, 2015. Collection method: research. Allele origin: germline. Affected: yes. Observed: 1 variant allele. Not counted in ClinVar's aggregate classification.

ITMI
No classification provided. Condition: AllHighlyPenetrant. Last evaluated: 2013-09-19. Review status: no classification provided. Collection method: reference population. Allele origin: germline. Not counted in ClinVar's aggregate classification.
Comment: Please see associated publication for description of ethnicities

Center for Precision Medicine, Meizhou People's Hospital
Classification: Uncertain significance for Familial cancer of breast. Review status: no assertion criteria provided. Collection method: literature only. Allele origin: germline. Affected: yes. Not counted in ClinVar's aggregate classification.

Literature cited by the submitters: PubMed 30287823 (cited by Department of Pathology and Laboratory Medicine, Sinai Health System and Women's Health and Genetics/Laboratory Corporation of America, LabCorp); PubMed 15168169 (cited by 6 submitters); PubMed 27257965 (cited by 5 submitters); PubMed 14973102 (cited by 4 submitters); PubMed 19491284 (cited by 4 submitters); PubMed 22116506 (cited by 4 submitters); PubMed 28111427 (cited by 3 submitters); PubMed 30093976 (cited by Department of Pathology and Laboratory Medicine, Sinai Health System and Women's Health and Genetics/Laboratory Corporation of America, LabCorp); PubMed 12624724 (cited by 7 submitters); PubMed 32467295 (cited by Department of Pathology and Laboratory Medicine, Sinai Health System); PubMed 30415210 (cited by Department of Pathology and Laboratory Medicine, Sinai Health System and Women's Health and Genetics/Laboratory Corporation of America, LabCorp); PubMed 33087888 (cited by Mayo Clinic Laboratories, Mayo Clinic); PubMed 16267036 (cited by Women's Health and Genetics/Laboratory Corporation of America, LabCorp and Quest Diagnostics Nichols Institute San Juan Capistrano); PubMed 15235020 (cited by 4 submitters); PubMed 21218378 (cited by Women's Health and Genetics/Laboratory Corporation of America, LabCorp and Quest Diagnostics Nichols Institute San Juan Capistrano); PubMed 24728327 (cited by 5 submitters); PubMed 27683183 (cited by Women's Health and Genetics/Laboratory Corporation of America, LabCorp); PubMed 27383479 (cited by Women's Health and Genetics/Laboratory Corporation of America, LabCorp and Ambry Genetics); PubMed 30702160 (cited by Women's Health and Genetics/Laboratory Corporation of America, LabCorp); PubMed 29770616 (cited by Women's Health and Genetics/Laboratory Corporation of America, LabCorp); PubMed 27124784 (cited by Ambry Genetics and Quest Diagnostics Nichols Institute San Juan Capistrano); PubMed 25823446 (cited by Quest Diagnostics Nichols Institute San Juan Capistrano).